The following is an entry in ClinVar:

NM_003737.4(DCHS1):c.6761G>A (p.Ser2254Asn)

Gene: DCHS1 (dachsous cadherin-related 1; minus strand). Cytogenetic location: 11p15.4.
Variant type: single nucleotide variant.
Coding change: c.6761G>A on transcript NM_003737.4 (MANE Select); coding-DNA position 6761, G replaced by A.
Protein change: p.Ser2254Asn; replaces serine 2254 with asparagine.
Molecular consequence: missense variant.
Genome position (GRCh38, 1-based): chr11:6,625,698, C>T on the plus strand (G>A on the coding strand, the complement: DCHS1 is on the minus strand). VCF-style: chr11-6625698-C-T. GRCh37 (hg19) VCF-style: chr11-6646929-C-T.
Other names: c.6761G>A (NM_003737.2); short protein forms S2254N.
Identifiers: ClinVar variation 1354398 (VCV001354398.7), dbSNP rs764290342, ClinGen allele CA5859774.

ClinVar aggregate classification (germline): Uncertain significance. Review status: criteria provided, multiple submitters, no conflicts (2 of 4 stars). 2 submissions from 2 submitters: Uncertain significance (2). Last evaluated 2026-01-21.

Conditions:
Inborn genetic diseases. Identifiers: MedGen C0950123, MeSH D030342.

Allele frequency attached by ClinVar (database versions not stated): ExAC 0.00002; gnomAD exomes 0.00002 and 0.00003; TOPMed 0.00001.
gnomAD v4.1: 35 of 1,609,294 alleles (0.0022%); highest among the groups gnomAD compares: Non-Finnish European, 0.003%; no homozygotes.

Submissions (2):

Labcorp Genetics (formerly Invitae), Labcorp
Classification: Uncertain significance. Last evaluated: 2026-01-21. Review status: criteria provided, single submitter. Criteria: Invitae Variant Classification Sherloc (09022015). Collection method: clinical testing. Allele origin: germline.
Comment: This sequence change replaces serine, which is neutral and polar, with asparagine, which is neutral and polar, at codon 2254 of the DCHS1 protein (p.Ser2254Asn). This variant is present in population databases (rs764290342, gnomAD 0.004%). This variant has not been reported in the literature in individuals affected with DCHS1-related conditions. ClinVar contains an entry for this variant (Variation ID: 1354398). Invitae Evidence Modeling of protein sequence and biophysical properties (such as structural, functional, and spatial information, amino acid conservation, physicochemical variation, residue mobility, and thermodynamic stability) indicates that this missense variant is not expected to disrupt DCHS1 protein function with a negative predictive value of 80%. In summary, the available evidence is currently insufficient to determine the role of this variant in disease. Therefore, it has been classified as a Variant of Uncertain Significance.

Ambry Genetics
Classification: Uncertain significance for Inborn genetic diseases. Last evaluated: 2024-03-31. Review status: criteria provided, single submitter. Criteria: Ambry Variant Classification Scheme 2023. Collection method: clinical testing. Allele origin: germline.